The following is an entry in ClinVar:

ClinVar aggregate classification (germline): Uncertain significance (1 of 4 stars; one submission).

Conditions:
Hereditary cancer-predisposing syndrome. Also called: Hereditary neoplastic syndrome; Neoplastic Syndromes, Hereditary; Tumor predisposition; Hereditary Cancer Syndrome. Identifiers: Orphanet 140162, MedGen C0027672, MeSH D009386, MONDO:0015356.

Submission:

Ambry Genetics
Classification: Uncertain significance for Hereditary cancer-predisposing syndrome. Last evaluated: 2025-08-27. Review status: criteria provided, single submitter. Criteria: Ambry Variant Classification Scheme 2023. Collection method: clinical testing. Allele origin: germline.
Comment: The p.A129S variant (also known as c.385G>T), located in coding exon 4 of the MUTYH gene, results from a G to T substitution at nucleotide position 385. The alanine at codon 129 is replaced by serine, an amino acid with similar properties. This amino acid position is conserved. In addition, the in silico prediction for this alteration is inconclusive. Based on the available evidence, the clinical significance of this variant remains unclear.

NM_001048174.2(MUTYH):c.301G>T (p.Ala101Ser)

Gene: MUTYH (mutY DNA glycosylase; minus strand). Cytogenetic location: 1p34.1.
Variant type: single nucleotide variant.
Coding change: c.301G>T on transcript NM_001048174.2 (MANE Select); coding-DNA position 301, G replaced by T.
Protein change: p.Ala101Ser; replaces alanine 101 with serine.
Molecular consequence: missense variant. On other transcripts: non-coding transcript variant (7).
Genome position (GRCh38, 1-based): chr1:45,333,288, C>A on the plus strand (G>T on the coding strand, the complement: MUTYH is on the minus strand). VCF-style: chr1-45333288-C-A. GRCh37 (hg19) VCF-style: chr1-45798960-C-A.
Other names: c.301G>T, p.Ala101Ser (NM_001048171.2, NM_001407070.1, NM_001407072.1 and 6 more transcripts); c.25G>T, p.Ala9Ser (NM_001293196.2, NM_001293192.2, NM_001407091.1); c.30G>T, p.Met10Ile (NM_001350650.2, NM_001350651.2, NM_001407082.1); c.376G>T, p.Ala126Ser (NM_001407069.1, NM_012222.3); c.304G>T, p.Ala102Ser (NM_001407071.1, NM_001048172.2, NM_001407078.1 and 2 more transcripts); c.343G>T, p.Ala115Ser (NM_001407073.1, NM_001407083.1, NM_001407085.1); c.217G>T, p.Ala73Ser (NM_001407075.1); c.334G>T, p.Ala112Ser (NM_001407077.1, NM_001293191.2); and 3 more; short protein forms A101S, A112S, A129S, A9S, A102S, A115S, A126S, A108S.
Identifiers: ClinVar variation 4113644 (VCV004113644.1).